The following is an entry in ClinVar:

NM_006397.3(RNASEH2A):c.488C>T (p.Thr163Met)

Gene: RNASEH2A (ribonuclease H2 subunit A; plus strand). Cytogenetic location: 19p13.13.
Variant type: single nucleotide variant.
Coding change: c.488C>T on transcript NM_006397.3 (MANE Select); coding-DNA position 488, C replaced by T.
Protein change: p.Thr163Met; replaces threonine 163 with methionine.
Molecular consequence: missense variant.
Genome position (GRCh38, 1-based): chr19:12,810,147, C>T. VCF-style: chr19-12810147-C-T. GRCh37 (hg19) VCF-style: chr19-12920961-C-T.
Other names: short protein forms T163M.
Identifiers: ClinVar variation 1000585 (VCV001000585.5), dbSNP rs1046057251, ClinGen allele CA305493165.

ClinVar aggregate classification (germline): Uncertain significance. Review status: criteria provided, multiple submitters, no conflicts (2 of 4 stars). 2 submissions from 2 submitters: Uncertain significance (2). Last evaluated 2021-12-16.

Conditions:
Aicardi-Goutieres syndrome 4. Identifiers: Orphanet 51, MedGen C1835912, MONDO:0012472, OMIM 610333.

Allele frequency attached by ClinVar (database versions not stated): gnomAD exomes below 0.00001 and 0.00001; TOPMed 0.00001; gnomAD 0.00002.
gnomAD v4.1: 15 of 1,614,100 alleles (0.00093%); highest among the groups gnomAD compares: East Asian, 0.0045%; no homozygotes.

Submissions (2):

Labcorp Genetics (formerly Invitae), Labcorp
Classification: Uncertain significance for Aicardi-Goutieres syndrome 4. Last evaluated: 2021-12-16. Review status: criteria provided, single submitter. Criteria: Invitae Variant Classification Sherloc (09022015). Collection method: clinical testing. Allele origin: germline.
Comment: This sequence change replaces threonine, which is neutral and polar, with methionine, which is neutral and non-polar, at codon 163 of the RNASEH2A protein (p.Thr163Met). This variant is present in population databases (no rsID available, gnomAD 0.008%). This variant has not been reported in the literature in individuals affected with RNASEH2A-related conditions. ClinVar contains an entry for this variant (Variation ID: 1000585). Algorithms developed to predict the effect of missense changes on protein structure and function are either unavailable or do not agree on the potential impact of this missense change (SIFT: "Deleterious"; PolyPhen-2: "Possibly Damaging"; Align-GVGD: "Class C0"). In summary, the available evidence is currently insufficient to determine the role of this variant in disease. Therefore, it has been classified as a Variant of Uncertain Significance.

Blueprint Genetics
Classification: Uncertain significance. Last evaluated: 2018-11-08. Review status: criteria provided, single submitter. Criteria: ACMG Guidelines, 2015. Collection method: clinical testing. Allele origin: germline.